The following is an entry in ClinVar:

ClinVar aggregate classification (germline): Uncertain significance (1 of 4 stars; one submission).

Conditions:
Neutropenia, severe congenital, 2, autosomal dominant. Identifiers: Orphanet 486, MedGen C2751288, MONDO:0013139, OMIM 613107.

Submission:

Labcorp Genetics (formerly Invitae), Labcorp
Classification: Uncertain significance for Neutropenia, severe congenital, 2, autosomal dominant. Last evaluated: 2025-12-16. Review status: criteria provided, single submitter. Criteria: Invitae Variant Classification Sherloc (09022015). Collection method: clinical testing. Allele origin: germline.
Comment: This sequence change replaces histidine, which is basic and polar, with tyrosine, which is neutral and polar, at codon 163 of the GFI1 protein (p.His163Tyr). This variant is not present in population databases (gnomAD no frequency). This variant has not been reported in the literature in individuals affected with GFI1-related conditions. Invitae Evidence Modeling of protein sequence and biophysical properties (such as structural, functional, and spatial information, amino acid conservation, physicochemical variation, residue mobility, and thermodynamic stability) indicates that this missense variant is not expected to disrupt GFI1 protein function with a negative predictive value of 80%. In summary, the available evidence is currently insufficient to determine the role of this variant in disease. Therefore, it has been classified as a Variant of Uncertain Significance.

NM_005263.5(GFI1):c.487C>T (p.His163Tyr)

Gene: GFI1 (growth factor independent 1 transcriptional repressor; minus strand). Cytogenetic location: 1p22.1.
Variant type: single nucleotide variant.
Coding change: c.487C>T on transcript NM_005263.5 (MANE Select); coding-DNA position 487, C replaced by T.
Protein change: p.His163Tyr; replaces histidine 163 with tyrosine.
Molecular consequence: missense variant.
Genome position (GRCh38, 1-based): chr1:92,480,900, G>A on the plus strand (C>T on the coding strand, the complement: GFI1 is on the minus strand). VCF-style: chr1-92480900-G-A. GRCh37 (hg19) VCF-style: chr1-92946457-G-A.
Other names: c.487C>T, p.His163Tyr (NM_001127215.3, NM_001127216.3); short protein forms H163Y.
Identifiers: ClinVar variation 4741129 (VCV004741129.1).
Genomic context (GRCh38, chr1:92,480,900, plus strand): 5'-CTGGCGCCCCGGCCCCCGCGCCGCCGGCAGCCCGCTTCGGGCCGTACAGCGCGGCCGGGT[G>A]GCCAGGCTCCGGGGCGGGTTCGCAGAAGAGGCCCAGGCCAGCGCCACGCTCCAGGGCCCC-3'
Protein context (NP_005254.2, residues 153-173): LFCEPAPEPG[His163Tyr]PAALYGPKRA